The following is an entry in ClinVar:

NM_000518.5(HBB):c.316-149_*132del

Genes: HBB (hemoglobin subunit beta; minus strand), LOC107133510 (origin of replication at HBB; plus strand), LOC110006319 (beta-globin gene 3' regulatory region; plus strand). Cytogenetic location: 11p15.4.
Variant type: Deletion.
Coding change: c.316-149_*132del on transcript NM_000518.5 (MANE Select); 149 bases into the intron before coding-DNA position 316 through 132 bases downstream of the stop codon, 410 bases deleted.
Molecular consequence: splice acceptor variant.
Genome position (GRCh38, 1-based): chr11:5,225,466-5,225,875, 410 bases deleted. GRCh37 (hg19): chr11:5,246,697-5,247,106.
Identifiers: ClinVar variation 660167 (VCV000660167.1), dbSNP rs1589891039, ClinGen allele CA915947982.

ClinVar aggregate classification (germline): Pathogenic (1 of 4 stars; one submission).

Submission:

Labcorp Genetics (formerly Invitae), Labcorp
Classification: Pathogenic. Last evaluated: 2018-11-26. Review status: criteria provided, single submitter. Criteria: Invitae Variant Classification Sherloc (09022015). Collection method: clinical testing. Allele origin: germline.
Comment: This variant is a gross deletion of the genomic region encompassing a portion of intron 2 and the entire exon 3 of the HBB gene. The 5' boundary is confined to intron 2. The 3' end of this event extends through the termination codon and into the untranslated region of the HBB gene. While this deletion is not anticipated to result in nonsense mediated decay, it is expected to create a truncated protein product or disrupt mRNA translation. A similar exon 3 deletion, commonly known as the 619bp deletion, in the literature has been observed in many individuals affected with beta thalassemia and is considered a common founder mutation in the Indian population although it has been found in affected individuals from other populations (PMID: 2903765, 287080, 7162987, 2064964,Â¬â€ 27812264). For these reasons, this variant has been classified as Pathogenic.

Literature cited by the submitters: PubMed 287080; PubMed 2064964; PubMed 7162987; PubMed 2903765.